The following is an entry in ClinVar:

ClinVar aggregate classification (germline): Uncertain significance (1 of 4 stars; one submission).

gnomAD v4.1: 4 of 1,605,846 alleles (0.00025%); highest among the groups gnomAD compares: African/African-American, 0.0053%; no homozygotes.

Submission:

Labcorp Genetics (formerly Invitae), Labcorp
Classification: Uncertain significance. Last evaluated: 2025-04-23. Review status: criteria provided, single submitter. Criteria: Invitae Variant Classification Sherloc (09022015). Collection method: clinical testing. Allele origin: germline.
Comment: This sequence change replaces glycine, which is neutral and non-polar, with aspartic acid, which is acidic and polar, at codon 84 of the KL protein (p.Gly84Asp). This variant is not present in population databases (gnomAD no frequency). This variant has not been reported in the literature in individuals affected with KL-related conditions. Invitae Evidence Modeling of protein sequence and biophysical properties (such as structural, functional, and spatial information, amino acid conservation, physicochemical variation, residue mobility, and thermodynamic stability) indicates that this missense variant is expected to disrupt KL protein function with a positive predictive value of 80%. In summary, the available evidence is currently insufficient to determine the role of this variant in disease. Therefore, it has been classified as a Variant of Uncertain Significance.

NM_004795.4(KL):c.251G>A (p.Gly84Asp)

Gene: KL (klotho; plus strand). Cytogenetic location: 13q13.1.
Variant type: single nucleotide variant.
Coding change: c.251G>A on transcript NM_004795.4 (MANE Select); coding-DNA position 251, G replaced by A.
Protein change: p.Gly84Asp; replaces glycine 84 with aspartic acid.
Molecular consequence: missense variant.
Genome position (GRCh38, 1-based): chr13:33,016,691, G>A. VCF-style: chr13-33016691-G-A. GRCh37 (hg19) VCF-style: chr13-33590829-G-A.
Other names: short protein forms G84D.
Identifiers: ClinVar variation 4702581 (VCV004702581.1).